The following is an entry in ClinVar:

NM_007294.4(BRCA1):c.5269_5270insC (p.Asp1757fs)

Gene: BRCA1 (BRCA1 DNA repair associated; minus strand). Cytogenetic location: 17q21.31.
Variant type: Insertion.
Coding change: c.5269_5270insC on transcript NM_007294.4 (MANE Select); coding-DNA positions 5269 to 5270, C inserted.
Protein change: p.Asp1757fs; shifts the reading frame from aspartic acid 1757.
Molecular consequence: frameshift variant. On other transcripts: non-coding transcript variant (1).
Genome position: GRCh38 VCF-style: chr17-43057059-T-TG. GRCh37 (hg19) VCF-style: chr17-41209076-T-TG.
Other names: c.1819_1820insC, p.Asp607Alafs (NM_001408457.1, NM_001408452.1, NM_001408453.1 and 3 more transcripts); c.1816_1817insC, p.Asp606Alafs (NM_001408458.1, NM_001408459.1, NM_001408460.1 and 7 more transcripts); c.1813_1814insC, p.Asp605Alafs (NM_001408468.1, NM_001408469.1, NM_001408470.1); c.1957_1958insC, p.Asp653Alafs (NM_001408472.1, NM_007298.4, NM_007304.2 and 12 more transcripts); c.1954_1955insC, p.Asp652Alafs (NM_001408473.1, NM_001408392.1, NM_001408396.1 and 8 more transcripts); c.1759_1760insC, p.Asp587Alafs (NM_001408474.1); c.1756_1757insC, p.Asp586Alafs (NM_001408475.1, NM_001408476.1); c.1750_1751insC, p.Asp584Alafs (NM_001408478.1, NM_001408479.1, NM_001408480.1); and 75 more; short protein forms D1778fs, D653fs, D1710fs, D1757fs.
Identifiers: ClinVar variation 548205 (VCV000548205.2), dbSNP rs1555576840, ClinGen allele CA658824711.

ClinVar aggregate classification (germline): Pathogenic (3 of 4 stars; one submission).

Conditions:
Breast-ovarian cancer, familial, susceptibility to, 1 (BROVCA1). Also called: BRCA1 Hereditary Breast and Ovarian Cancer; OVARIAN CANCER, SUSCEPTIBILITY TO. Identifiers: Orphanet 145, MedGen C2676676, MONDO:0011450, OMIM 604370. Disease mechanism: loss of function.

Submission:

Evidence-based Network for the Interpretation of Germline Mutant Alleles (ENIGMA)
Classification: Pathogenic for Breast-ovarian cancer, familial, susceptibility to, 1. Last evaluated: 2017-12-15. Review status: reviewed by expert panel. Criteria: ENIGMA BRCA1/2 Classification Criteria (2017-06-29). Collection method: curation. Allele origin: germline. Study: ENIGMA.
Comment: Variant allele predicted to encode a truncated non-functional protein.